The following is an entry in ClinVar:

ClinVar aggregate classification (germline): Benign. Review status: criteria provided, multiple submitters, no conflicts (2 of 4 stars). 9 submissions from 9 submitters: Benign (8). 1 of the submissions does not count toward it. Last evaluated 2026-02-02.

Conditions:
Hyperinsulinism-hyperammonemia syndrome (HHF6). Identifiers: Orphanet 35878, MedGen C1847555, MONDO:0011717, OMIM 606762.

Allele frequency attached by ClinVar (database versions not stated): ESP Exome Variant Server 0.06943; gnomAD 0.08685 and 0.09395; TOPMed 0.09048; gnomAD exomes 0.10457 and 0.12428; ExAC 0.12206; 1000 Genomes Project 30x 0.15959; 1000 Genomes Project 0.16773.
gnomAD v4.1: 168,028 of 1,613,134 alleles (10%); highest among the groups gnomAD compares: East Asian, 59%; 14,924 homozygotes.

Submissions (9):

Labcorp Genetics (formerly Invitae), Labcorp
Classification: Benign for Hyperinsulinism-hyperammonemia syndrome. Last evaluated: 2026-02-02. Review status: criteria provided, single submitter. Criteria: Invitae Variant Classification Sherloc (09022015). Collection method: clinical testing. Allele origin: germline.

Blueprint Genetics
Classification: Benign. Last evaluated: 2024-11-27. Review status: criteria provided, single submitter. Criteria: ACMG Guidelines, 2015. Collection method: clinical testing. Allele origin: germline.

Mayo Clinic Laboratories, Mayo Clinic
Classification: Benign. Last evaluated: 2021-10-17. Review status: criteria provided, single submitter. Criteria: ACMG Guidelines, 2015. Collection method: clinical testing. Allele origin: germline. Observed: 34 variant alleles.

Illumina Laboratory Services, Illumina
Classification: Benign for Hyperinsulinism-hyperammonemia syndrome. Last evaluated: 2018-01-13. Review status: criteria provided, single submitter. Criteria: ICSL Variant Classification Criteria 13 December 2019. Collection method: clinical testing. Allele origin: germline.
Comment: This variant was observed in the ICSL laboratory as part of a predisposition screen in an ostensibly healthy population. It had not been previously curated by ICSL or reported in the Human Gene Mutation Database (HGMD: prior to June 1st, 2018), and was therefore a candidate for classification through an automated scoring system. Utilizing variant allele frequency, disease prevalence and penetrance estimates, and inheritance mode, an automated score was calculated to assess if this variant is too frequent to cause the disease. Based on the score and internal cut-off values, a variant classified as benign is not then subjected to further curation. The score for this variant resulted in a classification of benign for this disease.

Athena Diagnostics
Classification: Benign for Hyperinsulinism-hyperammonemia syndrome. Last evaluated: 2017-04-28. Review status: criteria provided, single submitter. Criteria: Athena Diagnostics Criteria. Collection method: clinical testing. Allele origin: germline.

GeneDx
Classification: Benign. Last evaluated: 2013-10-23. Review status: criteria provided, single submitter. Criteria: GeneDx Variant Classification (06012015). Collection method: clinical testing. Allele origin: germline. Affected: yes.
Comment: This variant is considered likely benign or benign based on one or more of the following criteria: it is a conservative change, it occurs at a poorly conserved position in the protein, it is predicted to be benign by multiple in silico algorithms, and/or has population frequency not consistent with disease.

Breakthrough Genomics
Classification: Benign. Review status: criteria provided, single submitter. Criteria: ACMG Guidelines, 2015. Collection method: not provided. Allele origin: germline. Inheritance: Autosomal dominant inheritance. Affected: yes.

PreventionGenetics, part of Exact Sciences
Classification: Benign. Review status: criteria provided, single submitter. Criteria: ACMG Guidelines, 2015. Collection method: clinical testing. Allele origin: germline.

Genetic Services Laboratory, University of Chicago
Classification: Likely benign for AllHighlyPenetrant. Review status: no assertion criteria provided. Collection method: clinical testing. Allele origin: germline. Inheritance: Autosomal dominant inheritance. Not counted in ClinVar's aggregate classification.
Comment: Likely benign based on allele frequency in 1000 Genomes Project or ESP global frequency and its presence in a patient with a rare or unrelated disease phenotype. NOT Sanger confirmed.

NM_005271.5(GLUD1):c.942A>G (p.Leu314=)

Gene: GLUD1 (glutamate dehydrogenase 1; minus strand). Cytogenetic location: 10q23.2.
Variant type: single nucleotide variant.
Coding change: c.942A>G on transcript NM_005271.5 (MANE Select); coding-DNA position 942, A replaced by G.
Protein change: p.Leu314=; no amino-acid change (leucine 314 retained).
Molecular consequence: synonymous variant.
Genome position (GRCh38, 1-based): chr10:87,061,032, T>C on the plus strand (A>G on the coding strand, the complement: GLUD1 is on the minus strand). VCF-style: chr10-87061032-T-C. GRCh37 (hg19) VCF-style: chr10-88820789-T-C.
Other names: p.L314L:CTA>CTG; p.Leu314=; c.543A>G, p.Leu181= (NM_001318900.1); c.441A>G, p.Leu147= (NM_001318901.1, NM_001318902.1, NM_001318904.2 and 2 more transcripts).
Identifiers: ClinVar variation 129164 (VCV000129164.21), dbSNP rs9421572, ClinGen allele CA288890.